The following is an entry in ClinVar:

NM_000276.4(OCRL):c.587A>C (p.Asn196Thr)

Gene: OCRL (OCRL inositol polyphosphate-5-phosphatase; plus strand). Cytogenetic location: Xq26.1.
Variant type: single nucleotide variant.
Coding change: c.587A>C on transcript NM_000276.4 (MANE Select); coding-DNA position 587, A replaced by C.
Protein change: p.Asn196Thr; replaces asparagine 196 with threonine.
Molecular consequence: missense variant.
Genome position (GRCh38, 1-based): chrX:129,558,866, A>C. VCF-style: chrX-129558866-A-C. GRCh37 (hg19) VCF-style: chrX-128692843-A-C.
Other names: c.590A>C, p.Asn197Thr (NM_001318784.2); c.587A>C, p.Asn196Thr (NM_001587.4); c.587A>C (NM_000276.3); short protein forms N196T, N197T.
Identifiers: ClinVar variation 1982154 (VCV001982154.5), dbSNP rs761792348, ClinGen allele CA335084488.

ClinVar aggregate classification (germline): Uncertain significance. Review status: criteria provided, multiple submitters, no conflicts (2 of 4 stars). 2 submissions from 2 submitters: Uncertain significance (2). Last evaluated 2025-10-22.

Conditions:
Nephrolithiasis/nephrocalcinosis. Identifiers: MedGen CN580796.
Lowe syndrome (OCRL). Also called: Oculocerebrorenal Syndrome; LOWE OCULOCEREBRORENAL SYNDROME; PHOSPHATIDYLINOSITOL 4,5-BISPHOSPHATE 5-PHOSPHATASE DEFICIENCY. Identifiers: Orphanet 534, MedGen C0028860, MONDO:0010645, OMIM 309000.

Allele frequency attached by ClinVar (database versions not stated): TOPMed 0.00001.
gnomAD v4.1: 1 of 1,212,209 alleles (0.000082%); no homozygotes.

Submissions (2):

Ambry Genetics
Classification: Uncertain significance for Nephrolithiasis/nephrocalcinosis. Last evaluated: 2025-10-22. Review status: criteria provided, single submitter. Criteria: Ambry Variant Classification Scheme 2023. Collection method: clinical testing. Allele origin: germline.

Labcorp Genetics (formerly Invitae), Labcorp
Classification: Uncertain significance for Lowe syndrome. Last evaluated: 2024-04-08. Review status: criteria provided, single submitter. Criteria: Invitae Variant Classification Sherloc (09022015). Collection method: clinical testing. Allele origin: germline.
Comment: This sequence change replaces asparagine, which is neutral and polar, with threonine, which is neutral and polar, at codon 196 of the OCRL protein (p.Asn196Thr). This variant is not present in population databases (gnomAD no frequency). This variant has not been reported in the literature in individuals affected with OCRL-related conditions. ClinVar contains an entry for this variant (Variation ID: 1982154). Advanced modeling of protein sequence and biophysical properties (such as structural, functional, and spatial information, amino acid conservation, physicochemical variation, residue mobility, and thermodynamic stability) performed at Invitae indicates that this missense variant is not expected to disrupt OCRL protein function with a negative predictive value of 95%. In summary, the available evidence is currently insufficient to determine the role of this variant in disease. Therefore, it has been classified as a Variant of Uncertain Significance.